The following is an entry in ClinVar:

NM_007294.4(BRCA1):c.469_470insAT (p.Ser157fs)

Gene: BRCA1 (BRCA1 DNA repair associated; minus strand). Cytogenetic location: 17q21.31.
Variant type: Insertion.
Coding change: c.469_470insAT on transcript NM_007294.4 (MANE Select); coding-DNA positions 469 to 470, AT inserted.
Protein change: p.Ser157fs; shifts the reading frame from serine 157.
Molecular consequence: frameshift variant. On other transcripts: non-coding transcript variant (1).
Genome position: GRCh38 VCF-style: chr17-43099852-G-GAT. GRCh37 (hg19) VCF-style: chr17-41251869-G-GAT.
Other names: c.327_328insTA, p.Ser110Tyrfs (NM_001407694.1, NM_001407695.1, NM_001407696.1 and 60 more transcripts); c.468_469insTA, p.Ser157Tyrfs (NM_001408403.1, NM_001408406.1, NM_001408404.1 and 95 more transcripts); c.324_325insTA, p.Ser109Tyrfs (NM_001408503.1, NM_001408505.1, NM_001408504.1 and 35 more transcripts); c.258_259insTA, p.Ser87Tyrfs (NM_001408506.1, NM_001408507.1, NM_001407879.1 and 37 more transcripts); c.459_460insTA, p.Ser154Tyrfs (NM_001408408.1, NM_001407646.1, NM_001407647.1); c.390_391insTA, p.Ser131Tyrfs (NM_001408409.1, NM_001407653.1, NM_001407654.1 and 12 more transcripts); c.465_466insTA, p.Ser156Tyrfs (NM_001408407.1, NM_001407587.1, NM_001407590.1 and 65 more transcripts); c.255_256insTA, p.Ser86Tyrfs (NM_001408508.1, NM_001407571.1, NM_001407853.1 and 18 more transcripts); and 6 more; short protein forms S157fs, S110fs.
Identifiers: ClinVar variation 531392 (VCV000531392.8), dbSNP rs1555594935, ClinGen allele CA658798865.

ClinVar aggregate classification (germline): Pathogenic (1 of 4 stars; one submission).

Conditions:
Hereditary breast ovarian cancer syndrome. Also called: Hereditary breast and ovarian cancer syndrome (HBOC); BRCA1- and BRCA2-Associated Hereditary Breast and Ovarian Cancer; Hereditary breast and ovarian cancer syndrome; Breast and ovarian cancer; Hereditary breast and ovarian cancer; Hereditary breast and/or ovarian cancer syndrome. Identifiers: Orphanet 145, MedGen C0677776, MeSH D061325, MONDO:0003582. Disease mechanism: loss of function.

Submission:

Labcorp Genetics (formerly Invitae), Labcorp
Classification: Pathogenic for Hereditary breast ovarian cancer syndrome. Last evaluated: 2017-12-11. Review status: criteria provided, single submitter. Criteria: Invitae Variant Classification Sherloc (09022015). Collection method: clinical testing. Allele origin: germline.
Comment: This sequence change creates a premature translational stop signal (p.Ser157Tyrfs*7) in the BRCA1 gene. It is expected to result in an absent or disrupted protein product. For these reasons, this variant has been classified as Pathogenic. Loss-of-function variants in BRCA1 are known to be pathogenic (PMID: 20104584). This variant has not been reported in the literature in individuals with BRCA1-related disease. This variant is not present in population databases (ExAC no frequency).

Literature cited by the submitters: PubMed 20104584.